The following is an entry in ClinVar:

NC_012920.1(MT-ND1):m.4226T>C

Gene: MT-ND1 (mitochondrially encoded NADH dehydrogenase 1; plus strand).
Variant type: single nucleotide variant.
Genome position: chrM-4226-T-C.
Identifiers: ClinVar variation 692437 (VCV000692437.2), dbSNP rs1603219365, ClinGen allele CA414774465.

ClinVar aggregate classification (germline): Likely benign. Review status: criteria provided, multiple submitters, no conflicts (2 of 4 stars). 2 submissions from 2 submitters: Likely benign (2). Last evaluated 2019-10-17.

Conditions:
Leigh syndrome (NULS). Also called: Leigh's necrotizing encephalopathy; Leigh's disease; Leigh Syndrome (mtDNA deletion); Leigh Disease; Subacute necrotizing encephalopathy; Necrotizing encephalopathy infantile subacute of Leigh. Identifiers: Orphanet 506, MedGen C2931891, MONDO:0009723, OMIM 256000.

Submissions (2):

Wong Mito Lab, Molecular and Human Genetics, Baylor College of Medicine
Classification: Likely benign for Leigh syndrome. Last evaluated: 2019-10-17. Review status: criteria provided, single submitter. Criteria: Modified ACMG Guidelines (Unpublished). Collection method: clinical testing. Allele origin: germline.
Comment: The NC_012920.1:m.4226T>C (YP_003024026.1:p.Met307Thr) variant in MTND1 gene is interpretated to be a Likely Benign variant based on the modified ACMG guidelines (unpublished). This variant meets the following evidence codes: BS1, BP4, BP5

Breakthrough Genomics
Classification: Likely benign. Review status: criteria provided, single submitter. Criteria: ACMG Guidelines, 2015. Collection method: not provided. Allele origin: germline. Inheritance: Unknown mechanism. Affected: yes.